The following is an entry in ClinVar:

ClinVar aggregate classification (germline): Uncertain significance. Review status: criteria provided, multiple submitters, no conflicts (2 of 4 stars). 2 submissions from 2 submitters: Uncertain significance (2). Last evaluated 2025-09-27.

Allele frequency attached by ClinVar (database versions not stated): gnomAD exomes 0.00004; ExAC 0.00012; TOPMed 0.00024; 1000 Genomes Project 0.00040; 1000 Genomes Project 30x 0.00047.
gnomAD v4.1: 74 of 1,614,214 alleles (0.0046%); highest among the groups gnomAD compares: Admixed American, 0.053%; no homozygotes.

Submissions (2):

Ambry Genetics
Classification: Uncertain significance. Last evaluated: 2025-09-27. Review status: criteria provided, single submitter. Criteria: Ambry Variant Classification Scheme 2023. Collection method: clinical testing. Allele origin: germline.

Labcorp Genetics (formerly Invitae), Labcorp
Classification: Uncertain significance. Last evaluated: 2025-02-25. Review status: criteria provided, single submitter. Criteria: Invitae Variant Classification Sherloc (09022015). Collection method: clinical testing. Allele origin: germline.
Comment: This sequence change replaces tyrosine, which is neutral and polar, with cysteine, which is neutral and slightly polar, at codon 289 of the TRMT10C protein (p.Tyr289Cys). This variant is present in population databases (rs187732394, gnomAD 0.05%). This variant has not been reported in the literature in individuals affected with TRMT10C-related conditions. ClinVar contains an entry for this variant (Variation ID: 2713376). Invitae Evidence Modeling of protein sequence and biophysical properties (such as structural, functional, and spatial information, amino acid conservation, physicochemical variation, residue mobility, and thermodynamic stability) indicates that this missense variant is expected to disrupt TRMT10C protein function with a positive predictive value of 80%. In summary, the available evidence is currently insufficient to determine the role of this variant in disease. Therefore, it has been classified as a Variant of Uncertain Significance.

NM_017819.4(TRMT10C):c.866A>G (p.Tyr289Cys)

Gene: TRMT10C (tRNA methyltransferase 10C, mitochondrial RNase P subunit; plus strand). Cytogenetic location: 3q12.3.
Variant type: single nucleotide variant.
Coding change: c.866A>G on transcript NM_017819.4 (MANE Select); coding-DNA position 866, A replaced by G.
Protein change: p.Tyr289Cys; replaces tyrosine 289 with cysteine.
Molecular consequence: missense variant.
Genome position (GRCh38, 1-based): chr3:101,565,647, A>G. VCF-style: chr3-101565647-A-G. GRCh37 (hg19) VCF-style: chr3-101284491-A-G.
Other names: c.866A>G (NM_017819.2); short protein forms Y289C.
Identifiers: ClinVar variation 2713376 (VCV002713376.4), dbSNP rs187732394, ClinGen allele CA2520586.